The following is an entry in ClinVar:

ClinVar aggregate classification (germline): Likely benign (1 of 4 stars; one submission).

Submission:

CeGaT Center for Human Genetics Tuebingen
Classification: Likely benign. Last evaluated: 2025-10-01. Review status: criteria provided, single submitter. Criteria: CeGaT Center For Human Genetics Tuebingen Variant Classification Criteria Version 2. Collection method: clinical testing. Allele origin: germline. Affected: yes. Observed: 1 variant allele.
Comment: PRR12: BP4, BP7

NM_020719.3(PRR12):c.1779C>T (p.Val593=)

Gene: PRR12 (proline rich 12; plus strand). Cytogenetic location: 19q13.33.
Variant type: single nucleotide variant.
Coding change: c.1779C>T on transcript NM_020719.3 (MANE Select); coding-DNA position 1779, C replaced by T.
Protein change: p.Val593=; no amino-acid change (valine 593 retained).
Molecular consequence: synonymous variant.
Genome position (GRCh38, 1-based): chr19:49,596,114, C>T. VCF-style: chr19-49596114-C-T. GRCh37 (hg19) VCF-style: chr19-50099371-C-T.
Identifiers: ClinVar variation 4534461 (VCV004534461.6).